The following is an entry in ClinVar:

ClinVar aggregate classification (germline): Uncertain significance. Review status: criteria provided, multiple submitters, no conflicts (2 of 4 stars). 5 submissions from 5 submitters: Uncertain significance (3). 2 of the submissions do not count toward it. Last evaluated 2025-11-10.

Conditions:
Hereditary cancer-predisposing syndrome. Also called: Hereditary Cancer Syndrome; Neoplastic Syndromes, Hereditary; Hereditary neoplastic syndrome; Tumor predisposition. Identifiers: Orphanet 140162, MedGen C0027672, MeSH D009386, MONDO:0015356.
Breast-ovarian cancer, familial, susceptibility to, 1 (BROVCA1). Also called: BRCA1 Hereditary Breast and Ovarian Cancer; OVARIAN CANCER, SUSCEPTIBILITY TO. Identifiers: Orphanet 145, MedGen C2676676, MONDO:0011450, OMIM 604370. Disease mechanism: loss of function.
Hereditary breast ovarian cancer syndrome. Also called: Hereditary breast and/or ovarian cancer syndrome; Hereditary breast and ovarian cancer syndrome; Hereditary breast and ovarian cancer; Hereditary breast and ovarian cancer syndrome (HBOC); Breast and ovarian cancer; BRCA1- and BRCA2-Associated Hereditary Breast and Ovarian Cancer. Identifiers: Orphanet 145, MedGen C0677776, MeSH D061325, MONDO:0003582. Disease mechanism: loss of function.

Allele frequency attached by ClinVar (database versions not stated): TOPMed below 0.00001; gnomAD 0.00001; gnomAD exomes 0.00001.
gnomAD v4.1: 8 of 1,613,494 alleles (0.0005%); highest among the groups gnomAD compares: Non-Finnish European, 0.00068%; no homozygotes.

Submissions (6):

Labcorp Genetics (formerly Invitae), Labcorp
Classification: Uncertain significance for Hereditary breast ovarian cancer syndrome. Last evaluated: 2025-11-10. Review status: criteria provided, single submitter. Criteria: Invitae Variant Classification Sherloc (09022015). Collection method: clinical testing. Allele origin: germline.
Comment: This sequence change replaces threonine, which is neutral and polar, with arginine, which is basic and polar, at codon 97 of the BRCA1 protein (p.Thr97Arg). This variant is not present in population databases (gnomAD no frequency). This variant has not been reported in the literature in individuals affected with BRCA1-related conditions. ClinVar contains an entry for this variant (Variation ID: 96909). Invitae Evidence Modeling of protein sequence and biophysical properties (such as structural, functional, and spatial information, amino acid conservation, physicochemical variation, residue mobility, and thermodynamic stability) indicates that this missense variant is expected to disrupt BRCA1 protein function with a positive predictive value of 80%. Experimental studies are conflicting or provide insufficient evidence to determine the effect of this variant on BRCA1 function (PMID: 25823446, 30209399). In summary, the available evidence is currently insufficient to determine the role of this variant in disease. Therefore, it has been classified as a Variant of Uncertain Significance.

GeneDx
Classification: Uncertain significance. Last evaluated: 2023-02-06. Review status: criteria provided, single submitter. Criteria: GeneDx Variant Classification Process June 2021. Collection method: clinical testing. Allele origin: germline. Affected: yes.
Comment: Published functional studies are inconclusive: partial reduction in BARD1 binding ability, ubiquitine ligase activity, and cell survival (Starita et al., 2015; Findlay et al., 2018); Not observed in large population cohorts (gnomAD); In silico analysis supports that this missense variant has a deleterious effect on protein structure/function; Also known as 409C>G; This variant is associated with the following publications: (PMID: 30209399, 25823446, 30219179, 29884841, 24389207, 20104584, 32377563)

Ambry Genetics
Classification: Uncertain significance for Hereditary cancer-predisposing syndrome. Last evaluated: 2021-09-08. Review status: criteria provided, single submitter. Criteria: Ambry Variant Classification Scheme 2023. Collection method: clinical testing. Allele origin: germline.
Comment: The p.T97R variant (also known as c.290C>G), located in coding exon 4 of the BRCA1 gene, results from a C to G substitution at nucleotide position 290. The threonine at codon 97 is replaced by arginine, an amino acid with similar properties. This alteration was partially functional in a high-throughput, genome editing, haploid cell survival assay (Findlay GM et al. Nature, 2018 10;562:217-222; Starita LM et al. Am J Hum Genet, 2018 10;103:498-508). This amino acid position is well conserved in available vertebrate species. In addition, this alteration is predicted to be deleterious by in silico analysis. Since supporting evidence is limited at this time, the clinical significance of this alteration remains unclear.

Counsyl
Classification: Uncertain significance for Breast-ovarian cancer, familial, susceptibility to, 1. Last evaluated: 2016-09-20. Review status: no assertion criteria provided. Collection method: clinical testing. Allele origin: unknown. Not counted in ClinVar's aggregate classification.

Sharing Clinical Reports Project (SCRP)
Classification: Uncertain significance for Breast-ovarian cancer, familial 1. Last evaluated: 2012-05-01. Review status: no assertion criteria provided. Collection method: clinical testing. Allele origin: germline. Not counted in ClinVar's aggregate classification.

Brotman Baty Institute, University of Washington
No classification provided (evidence only). Condition: Breast-ovarian cancer, familial 1. Review status: no classification provided. Collection method: in vitro. Allele origin: not applicable. Functional consequence: function_uncertain_variant. Not counted in ClinVar's aggregate classification.
ClinVar note: "not provided" was previously submitted as the classification for the variant. However, the classification appeared to be based only on an observation of functional data so it was converted to no classification on 2025-07-30.

Literature cited by the submitters: PubMed 25823446 (cited by Labcorp Genetics (formerly Invitae), Labcorp and Counsyl); PubMed 30209399 (cited by Labcorp Genetics (formerly Invitae), Labcorp and Ambry Genetics); PubMed 30219179 (cited by Ambry Genetics).

NM_007294.4(BRCA1):c.290C>G (p.Thr97Arg)

Gene: BRCA1 (BRCA1 DNA repair associated; minus strand). Cytogenetic location: 17q21.31.
Variant type: single nucleotide variant.
Coding change: c.290C>G on transcript NM_007294.4 (MANE Select); coding-DNA position 290, C replaced by G.
Protein change: p.Thr97Arg; replaces threonine 97 with arginine.
Molecular consequence: missense variant. On other transcripts: non-coding transcript variant (1).
Genome position (GRCh38, 1-based): chr17:43,104,879, G>C on the plus strand (C>G on the coding strand, the complement: BRCA1 is on the minus strand). VCF-style: chr17-43104879-G-C. GRCh37 (hg19) VCF-style: chr17-41256896-G-C.
Other names: 409C>G; c.290C>G, p.Thr97Arg (NM_001407603.1, NM_001407605.1, NM_001407610.1 and 168 more transcripts); c.212C>G, p.Thr71Arg (NM_001407653.1, NM_001407654.1, NM_001407655.1 and 21 more transcripts); c.149C>G, p.Thr50Arg (NM_001407692.1, NM_001407694.1, NM_001407695.1 and 99 more transcripts); c.80C>G, p.Thr27Arg (NM_001407853.1, NM_001407879.1, NM_001407881.1 and 58 more transcripts); c.-92C>G (NM_001407959.1, NM_001407960.1, NM_001407962.1 and 4 more transcripts); c.158C>G, p.Thr53Arg (NM_001408451.1); short protein forms T97R, T50R, T71R, T27R, T53R.
Identifiers: ClinVar variation 96909 (VCV000096909.26), dbSNP rs431825393, ClinGen allele CA001893.
Genomic context (GRCh38, chr17:43,104,879, plus strand): 5'-TTTTCATGGACAGCACTTGAGTGTCATTCTTGGGATATTCAACACTTACACTCCAAACCT[G>C]TGTCAAGCTGAAAAGCACAAATGATTTTCAATAGCTCTTCAACAAGTTGACTAAATCTCG-3'
Protein context (NP_009225.1, residues 87-107): LKIICAFQLD[Thr97Arg]GLEYANSYNF